The following is an entry in ClinVar:

NM_006031.6(PCNT):c.8535G>A (p.Ser2845=)

Gene: PCNT (pericentrin; plus strand). Cytogenetic location: 21q22.3.
Variant type: single nucleotide variant.
Coding change: c.8535G>A on transcript NM_006031.6 (MANE Select); coding-DNA position 8535, G replaced by A.
Protein change: p.Ser2845=; no amino-acid change (serine 2845 retained).
Molecular consequence: synonymous variant. On other transcripts: intron variant (1).
Genome position (GRCh38, 1-based): chr21:46,431,999, G>A. VCF-style: chr21-46431999-G-A. GRCh37 (hg19) VCF-style: chr21-47851913-G-A.
Other names: c.8535G>A (NM_006031.5); c.8160+21G>A (NM_001315529.2).
Identifiers: ClinVar variation 3008921 (VCV003008921.4), dbSNP rs1365531045, ClinGen allele CA513175487.

ClinVar aggregate classification (germline): Likely benign. Review status: criteria provided, single submitter (1 of 4 stars). 2 submissions from 2 submitters: Likely benign (1). 1 of the submissions does not count toward it. Last evaluated 2024-12-04.

Conditions:
PCNT-related disorder. Also called: PCNT-related condition.

gnomAD v4.1: 7 of 1,613,918 alleles (0.00043%); highest among the groups gnomAD compares: East Asian, 0.0022%; no homozygotes.

Submissions (2):

Labcorp Genetics (formerly Invitae), Labcorp
Classification: Likely benign. Last evaluated: 2024-12-04. Review status: criteria provided, single submitter. Criteria: Invitae Variant Classification Sherloc (09022015). Collection method: clinical testing. Allele origin: germline.

PreventionGenetics, part of Exact Sciences
Classification: Likely benign for PCNT-related condition. Last evaluated: 2023-05-09. Review status: no assertion criteria provided. Collection method: clinical testing. Allele origin: germline. Not counted in ClinVar's aggregate classification.
Comment: This variant is classified as likely benign based on ACMG/AMP sequence variant interpretation guidelines (Richards et al. 2015 PMID: 25741868, with internal and published modifications).